The following is an entry in ClinVar:

NM_000030.3(AGXT):c.743C>T (p.Ala248Val)

Gene: AGXT (alanine--glyoxylate aminotransferase; plus strand). Cytogenetic location: 2q37.3.
Variant type: single nucleotide variant.
Coding change: c.743C>T on transcript NM_000030.3 (MANE Select); coding-DNA position 743, C replaced by T.
Protein change: p.Ala248Val; replaces alanine 248 with valine.
Molecular consequence: missense variant.
Genome position (GRCh38, 1-based): chr2:240,875,171, C>T. VCF-style: chr2-240875171-C-T. GRCh37 (hg19) VCF-style: chr2-241814588-C-T.
Other names: short protein forms A248V.
Identifiers: ClinVar variation 383368 (VCV000383368.11), dbSNP rs372482918, ClinGen allele CA2209225.

ClinVar aggregate classification (germline): Conflicting classifications of pathogenicity. Review status: criteria provided, conflicting classifications (1 of 4 stars). 6 submissions from 6 submitters: Uncertain significance (4); Likely benign (1). 1 of the submissions does not count toward it. Last evaluated 2025-12-26.

Conditions:
Primary hyperoxaluria, type I (HP1). Also called: OXALOSIS I; GLYCOLIC ACIDURIA; HEPATIC AGT DEFICIENCY; Primary hyperoxaluria type 1. Identifiers: Orphanet 416, Orphanet 93598, MedGen C0268164, MONDO:0009823, OMIM 259900. Disease mechanism: loss of function.
Inborn genetic diseases. Identifiers: MedGen C0950123, MeSH D030342.

Allele frequency attached by ClinVar (database versions not stated): gnomAD 0.00001; TOPMed 0.00004; ExAC 0.00005; gnomAD exomes 0.00009.
gnomAD v4.1: 31 of 1,613,842 alleles (0.0019%); highest among the groups gnomAD compares: East Asian, 0.047%; 1 homozygote.

Submissions (6):

Labcorp Genetics (formerly Invitae), Labcorp
Classification: Likely benign. Last evaluated: 2025-12-26. Review status: criteria provided, single submitter. Criteria: Invitae Variant Classification Sherloc (09022015). Collection method: clinical testing. Allele origin: germline.

Ambry Genetics
Classification: Uncertain significance for Inborn genetic diseases. Last evaluated: 2023-03-29. Review status: criteria provided, single submitter. Criteria: Ambry Variant Classification Scheme 2023. Collection method: clinical testing. Allele origin: germline.

Fulgent Genetics
Classification: Uncertain significance for Primary hyperoxaluria, type I. Last evaluated: 2022-02-24. Review status: criteria provided, single submitter. Criteria: ACMG Guidelines, 2015. Collection method: clinical testing. Allele origin: unknown.

Blueprint Genetics
Classification: Uncertain significance. Last evaluated: 2021-12-19. Review status: criteria provided, single submitter. Criteria: ACMG Guidelines, 2015. Collection method: clinical testing. Allele origin: germline.

GeneDx
Classification: Uncertain significance. Last evaluated: 2016-02-13. Review status: criteria provided, single submitter. Criteria: GeneDx Variant Classification (06012015). Collection method: clinical testing. Allele origin: germline. Affected: yes.
Comment: The A248V variant in the AGXT gene has not been reported previously as a pathogenic variant, nor as a benign variant, to our knowledge. The A248V variant was not observed in approximately 6500 individuals of European and African American ancestry in the NHLBI Exome Sequencing Project, indicating it is not a common benign variant in these populations. The A248V variant is a conservative amino acid substitution, which is not likely to impact secondary protein structure as these residues share similar properties. This substitution occurs at a position that is not conserved. In silico analysis is inconsistent in its predictions as to whether or not the variant is damaging to the protein structure/function. However, missense variants in nearby residues (D243H and I244T) have been reported in the Human Gene Mutation Database in association with PH1 (Stenson et al., 2014), supporting the functional importance of this region of the protein. We interpret A248V as a variant of uncertain significance.

Natera, Inc.
Classification: Uncertain significance for Primary hyperoxaluria type I. Last evaluated: 2019-10-28. Review status: no assertion criteria provided. Collection method: clinical testing. Allele origin: germline. Not counted in ClinVar's aggregate classification.